The following is an entry in ClinVar:

NM_000051.4(ATM):c.3612A>C (p.Arg1204Ser)

Gene: ATM (ATM serine/threonine kinase; plus strand). Cytogenetic location: 11q22.3.
Variant type: single nucleotide variant.
Coding change: c.3612A>C on transcript NM_000051.4 (MANE Select); coding-DNA position 3612, A replaced by C.
Protein change: p.Arg1204Ser; replaces arginine 1204 with serine.
Molecular consequence: missense variant.
Genome position (GRCh38, 1-based): chr11:108,282,745, A>C. VCF-style: chr11-108282745-A-C. GRCh37 (hg19) VCF-style: chr11-108153472-A-C.
Other names: c.3612A>C, p.Arg1204Ser (NM_001351834.2); short protein forms R1204S.
Identifiers: ClinVar variation 2633996 (VCV002633996.1), dbSNP rs2135687499, ClinGen allele CA382522765.

ClinVar aggregate classification (germline): Uncertain significance (1 of 4 stars; one submission).

Conditions:
ATM-related disorder. Also called: ATM-related disorders; ATM-related condition.

Submission:

PreventionGenetics, part of Exact Sciences
Classification: Uncertain significance for ATM-related condition. Last evaluated: 2023-10-04. Review status: criteria provided, single submitter. Criteria: ACMG Guidelines, 2015. Collection method: clinical testing. Allele origin: germline.
Comment: The ATM c.3612A>C variant is predicted to result in the amino acid substitution p.Arg1204Ser. To our knowledge, this variant has not been reported in the literature or in a large population database, indicating this variant is rare. At this time, the clinical significance of this variant is uncertain due to the absence of conclusive functional and genetic evidence.